The following is an entry in ClinVar:

NM_001080442.3(SLC38A8):c.-2-4C>G

Gene: SLC38A8 (solute carrier family 38 member 8; minus strand). Cytogenetic location: 16q23.3.
Variant type: single nucleotide variant.
Coding change: c.-2-4C>G on transcript NM_001080442.3 (MANE Select); 4 bases into the intron before 2 bases upstream of the start codon, C replaced by G.
Molecular consequence: intron variant.
Genome position (GRCh38, 1-based): chr16:84,042,163, G>C on the plus strand (C>G on the coding strand, the complement: SLC38A8 is on the minus strand). VCF-style: chr16-84042163-G-C. GRCh37 (hg19) VCF-style: chr16-84075768-G-C.
Identifiers: ClinVar variation 3038314 (VCV003038314.2), dbSNP rs202194881, ClinGen allele CA8200563.

ClinVar aggregate classification (germline): Likely benign (0 of 4 stars; one submission).

Conditions:
SLC38A8-related disorder. Also called: SLC38A8-related condition.

Allele frequency attached by ClinVar (database versions not stated): 1000 Genomes Project 30x 0.00156; 1000 Genomes Project 0.00160; gnomAD 0.00197; TOPMed 0.00204; ESP Exome Variant Server 0.00238.
gnomAD v4.1: 552 of 1,604,280 alleles (0.034%); highest among the groups gnomAD compares: African/African-American, 0.68%; no homozygotes.

Submission:

PreventionGenetics, part of Exact Sciences
Classification: Likely benign for SLC38A8-related condition. Last evaluated: 2019-02-18. Review status: no assertion criteria provided. Collection method: clinical testing. Allele origin: germline.
Comment: This variant is classified as likely benign based on ACMG/AMP sequence variant interpretation guidelines (Richards et al. 2015 PMID: 25741868, with internal and published modifications).